The following is an entry in ClinVar:

NM_001848.3(COL6A1):c.805-2A>T

Gene: COL6A1 (collagen type VI alpha 1 chain; plus strand). Cytogenetic location: 21q22.3.
Variant type: single nucleotide variant.
Coding change: c.805-2A>T on transcript NM_001848.3 (MANE Select); the canonical splice acceptor site of the intron before coding-DNA position 805, A replaced by T.
Molecular consequence: splice acceptor variant.
Genome position (GRCh38, 1-based): chr21:45,989,082, A>T. VCF-style: chr21-45989082-A-T. GRCh37 (hg19) VCF-style: chr21-47408996-A-T.
Identifiers: ClinVar variation 959576 (VCV000959576.1), dbSNP rs398123639, ClinGen allele CA410521326.

ClinVar aggregate classification (germline): Likely pathogenic (1 of 4 stars; one submission).

Conditions:
Bethlem myopathy 1A. Also called: Bethlem Muscular Dystrophy; Bethlem myopathy 1; MYOPATHY, BENIGN CONGENITAL, WITH CONTRACTURES. Identifiers: Orphanet 610, MedGen CN029274, MONDO:0024530, OMIM 158810.

Submission:

Labcorp Genetics (formerly Invitae), Labcorp
Classification: Likely pathogenic for Bethlem myopathy 1. Last evaluated: 2019-09-06. Review status: criteria provided, single submitter. Criteria: Invitae Variant Classification Sherloc (09022015). Collection method: clinical testing. Allele origin: germline.
Comment: This sequence change affects an acceptor splice site in intron 8 of the COL6A1 gene. It is expected to disrupt RNA splicing and likely results in an absent or disrupted protein product. This variant is not present in population databases (ExAC no frequency). This variant has not been reported in the literature in individuals with COL6A1-related conditions. Donor and acceptor splice site variants typically lead to a loss of protein function (PMID: 16199547), and loss-of-function variants in COL6A1 are known to be pathogenic (PMID: 21280092, 20976770). In addition, donor and acceptor splice site variants in COL6A1 that result in in-frame exon skipping have also been reported to cause autosomal dominant COL6A1-related conditions (PMID:18366090). In summary, the currently available evidence indicates that the variant is pathogenic, but additional data are needed to prove that conclusively. Therefore, this variant has been classified as Likely Pathogenic.

Literature cited by the submitters: PubMed 18366090; PubMed 21280092; PubMed 20976770.